The following is an entry in ClinVar:

NM_000458.4(HNF1B):c.345-19C>T

Gene: HNF1B (HNF1 homeobox B; minus strand). Cytogenetic location: 17q12.
Variant type: single nucleotide variant.
Coding change: c.345-19C>T on transcript NM_000458.4 (MANE Select); 19 bases into the intron before coding-DNA position 345, C replaced by T.
Molecular consequence: intron variant.
Genome position (GRCh38, 1-based): chr17:37,739,658, G>A on the plus strand (C>T on the coding strand, the complement: HNF1B is on the minus strand). VCF-style: chr17-37739658-G-A. GRCh37 (hg19) VCF-style: chr17-36099649-G-A.
Other names: c.345-19C>T (NM_001304286.2, NM_001165923.4, NM_000458.3).
Identifiers: ClinVar variation 36847 (VCV000036847.25), dbSNP rs59527848, ClinGen allele CA201544.
Genomic context (GRCh38, chr17:37,739,658, plus strand): 5'-ATGTAACCCTTGATCATTTTAGCAGCCCTCCAAGGGTCCTCACTAGACAGACAAGCAGAT[G>A]GTTAGGGTACTAGTGGGAGACATCTGGGGAGAAACATTCTTTTTCTAGGGGGTGCTACCT-3'

ClinVar aggregate classification (germline): Benign. Review status: criteria provided, multiple submitters, no conflicts (2 of 4 stars). 9 submissions from 8 submitters: Benign (9). Last evaluated 2026-01-27.

Conditions:
Maturity-onset diabetes of the young (MODY). Also called: Maturity onset diabetes mellitus in young. Identifiers: Orphanet 552, MedGen C0342276, MONDO:0018911, HP:0004904.
Nonpapillary renal cell carcinoma. Identifiers: Orphanet 422526, MedGen CN074294, MONDO:0007763, OMIM 144700.
Renal cysts and diabetes syndrome (RCAD). Also called: MATURITY-ONSET DIABETES OF THE YOUNG, TYPE 5; Familial hypoplastic, glomerulocystic kidney. Identifiers: Orphanet 93111, MedGen C0431693, MONDO:0007669, OMIM 137920.

Allele frequency attached by ClinVar (database versions not stated): gnomAD exomes 0.00187 and 0.00071; gnomAD 0.00765 and 0.00718; 1000 Genomes Project 0.00819; ExAC 0.00313; 1000 Genomes Project 30x 0.00937; TOPMed 0.00781; ESP Exome Variant Server 0.00785.
gnomAD v4.1: 2,143 of 1,591,986 alleles (0.13%); highest among the groups gnomAD compares: African/African-American, 2.6%; 33 homozygotes.

Submissions (9):

Labcorp Genetics (formerly Invitae), Labcorp
Classification: Benign. Last evaluated: 2026-01-27. Review status: criteria provided, single submitter. Criteria: Invitae Variant Classification Sherloc (09022015). Collection method: clinical testing. Allele origin: germline.

ARUP Laboratories, Molecular Genetics and Genomics, ARUP Laboratories
Classification: Benign. Last evaluated: 2025-02-18. Review status: criteria provided, single submitter. Criteria: ARUP Molecular Germline Variant Investigation Process 2024. Collection method: clinical testing. Allele origin: germline.

KCCC/NGS Laboratory, Kuwait Cancer Control Center
Classification: Benign for Renal cysts and diabetes syndrome. Last evaluated: 2025-02-01. Review status: criteria provided, single submitter. Criteria: ACMG Guidelines, 2015. Collection method: clinical testing. Allele origin: germline. Affected: no.

Athena Diagnostics
Classification: Benign. Last evaluated: 2024-07-02. Review status: criteria provided, single submitter. Criteria: Athena Diagnostics Criteria. Collection method: clinical testing. Allele origin: unknown.

KCCC/NGS Laboratory, Kuwait Cancer Control Center
Classification: Benign for Nonpapillary renal cell carcinoma. Last evaluated: 2023-07-07. Review status: criteria provided, single submitter. Criteria: ACMG Guidelines, 2015. Collection method: clinical testing. Allele origin: germline. Affected: yes.

GeneDx
Classification: Benign. Last evaluated: 2015-03-03. Review status: criteria provided, single submitter. Criteria: GeneDx Variant Classification Process June 2021. Collection method: clinical testing. Allele origin: germline. Affected: yes.

Eurofins Ntd Llc (ga)
Classification: Benign. Last evaluated: 2014-07-10. Review status: criteria provided, single submitter. Criteria: EGL Classification Definitions 2015. Collection method: clinical testing. Allele origin: germline. Observed: 1 variant allele, 1 heterozygote.

Women's Health and Genetics/Laboratory Corporation of America, LabCorp
Classification: Benign for MODY5. Last evaluated: 2011-08-18. Review status: criteria provided, single submitter. Criteria: LabCorp Variant Classification Summary - May 2015. Collection method: curation, clinical testing. Allele origin: germline. Inheritance: autosomal unknown. Affected: yes.
ClinVar note: Converted during submission from benign to Benign.

Clinical Genomics, Uppaluri K&H Personalized Medicine Clinic
Classification: Benign for Maturity-onset diabetes of the young. Review status: criteria provided, single submitter. Criteria: K & H Uppaluri Personalized Medicine Clinic Variant Classification & Assertion Criteria_Updated V.1. Collection method: research. Allele origin: unknown. Inheritance: Autosomal dominant inheritance.
Comment: HNF1B gene mutations are associated with early onset diabetes and pancreatic atrophy. It is also associated with multiple renal manifestations including renal cysts, Tubulointerstitial disease, glomerulocystic disease, renal hypoplasia, hypomagnesemia.However no sufficient evidence is found to ascertain the role of this particular variant rs59527848, yet.

Literature cited by the submitters: PubMed 33434175 (cited by Athena Diagnostics and Clinical Genomics, Uppaluri K&H Personalized Medicine Clinic); PubMed 24897035 (cited by Athena Diagnostics and Clinical Genomics, Uppaluri K&H Personalized Medicine Clinic); PubMed 19639018 (cited by Athena Diagnostics and Clinical Genomics, Uppaluri K&H Personalized Medicine Clinic); PubMed 25536396 (cited by Clinical Genomics, Uppaluri K&H Personalized Medicine Clinic); PubMed 27615128 (cited by Clinical Genomics, Uppaluri K&H Personalized Medicine Clinic); PubMed 28215227 (cited by Clinical Genomics, Uppaluri K&H Personalized Medicine Clinic); PubMed 25741167 (cited by Clinical Genomics, Uppaluri K&H Personalized Medicine Clinic); PubMed 26340261 (cited by Clinical Genomics, Uppaluri K&H Personalized Medicine Clinic).